The following is an entry in ClinVar:

ClinVar aggregate classification (germline): Uncertain significance. Review status: criteria provided, multiple submitters, no conflicts (2 of 4 stars). 2 submissions from 2 submitters: Uncertain significance (2). Last evaluated 2025-07-18.

Allele frequency attached by ClinVar (database versions not stated): gnomAD exomes below 0.00001 and 0.00002; ExAC 0.00002; TOPMed 0.00002.
gnomAD v4.1: 4 of 1,564,694 alleles (0.00026%); highest among the groups gnomAD compares: Admixed American, 0.0075%; no homozygotes.

Submissions (2):

Labcorp Genetics (formerly Invitae), Labcorp
Classification: Uncertain significance. Last evaluated: 2025-07-18. Review status: criteria provided, single submitter. Criteria: Invitae Variant Classification Sherloc (09022015). Collection method: clinical testing. Allele origin: germline.
Comment: This sequence change replaces tyrosine, which is neutral and polar, with histidine, which is basic and polar, at codon 334 of the IL6ST protein (p.Tyr334His). This variant is present in population databases (rs753100575, gnomAD 0.01%). This variant has not been reported in the literature in individuals affected with IL6ST-related conditions. ClinVar contains an entry for this variant (Variation ID: 1378807). An algorithm developed to predict the effect of missense changes on protein structure and function (PolyPhen-2) suggests that this variant is likely to be disruptive. In summary, the available evidence is currently insufficient to determine the role of this variant in disease. Therefore, it has been classified as a Variant of Uncertain Significance.

GeneDx
Classification: Uncertain significance. Last evaluated: 2023-10-27. Review status: criteria provided, single submitter. Criteria: GeneDx Variant Classification Process June 2021. Collection method: clinical testing. Allele origin: germline. Affected: yes.
Comment: In silico analysis supports that this missense variant does not alter protein structure/function; Has not been previously published as pathogenic or benign to our knowledge

NM_002184.4(IL6ST):c.1000T>C (p.Tyr334His)

Gene: IL6ST (interleukin 6 cytokine family signal transducer; minus strand). Cytogenetic location: 5q11.2.
Variant type: single nucleotide variant.
Coding change: c.1000T>C on transcript NM_002184.4 (MANE Select); coding-DNA position 1000, T replaced by C.
Protein change: p.Tyr334His; replaces tyrosine 334 with histidine.
Molecular consequence: missense variant. On other transcripts: non-coding transcript variant (2), intron variant (2).
Genome position (GRCh38, 1-based): chr5:55,957,265, A>G on the plus strand (T>C on the coding strand, the complement: IL6ST is on the minus strand). VCF-style: chr5-55957265-A-G. GRCh37 (hg19) VCF-style: chr5-55253093-A-G.
Other names: c.1000T>C, p.Tyr334His (NM_001190981.2, NM_001364275.2); c.790T>C, p.Tyr264His (NM_001364276.2); c.133T>C, p.Tyr45His (NM_001364277.2); c.97T>C, p.Tyr33His (NM_001364278.2); c.61-1030T>C (NM_001364279.2); c.974-1030T>C (NM_175767.3); c.1000T>C (NM_002184.3); short protein forms Y33H, Y264H, Y334H, Y45H.
Identifiers: ClinVar variation 1378807 (VCV001378807.7), dbSNP rs753100575, ClinGen allele CA3271553.
Genomic context (GRCh38, chr5:55,957,265, plus strand): 5'-TTACCTTCCACACGAGTTGTACAGTTCTGTAGCCTTGAGTATGGGATGGATCTATTTTAT[A>G]CCAGAAACTTGGTGCTTTAGATGGTCCTAAAGAAAAGACATAAACTCCTTAAAATAAAAA-3'
Protein context (NP_002175.2, residues 324-344): DRPSKAPSFW[Tyr334His]KIDPSHTQGY